The following is an entry in ClinVar:

ClinVar aggregate classification (germline): Conflicting classifications of pathogenicity. Review status: criteria provided, conflicting classifications (1 of 4 stars). 2 submissions from 2 submitters: Uncertain significance (1); Likely benign (1). Last evaluated 2026-09-01.

Conditions:
Inborn genetic diseases. Identifiers: MedGen C0950123, MeSH D030342.

gnomAD v4.1: 11 of 1,210,419 alleles (0.00091%); highest among the groups gnomAD compares: African/African-American, 0.014%; no homozygotes.

Submissions (2):

Ambry Genetics
Classification: Likely benign for Inborn genetic diseases. Last evaluated: 2026-09-01. Review status: criteria provided, single submitter. Criteria: Ambry Variant Classification Scheme 2023. Collection method: clinical testing. Allele origin: germline.

Labcorp Genetics (formerly Invitae), Labcorp
Classification: Uncertain significance. Last evaluated: 2025-12-15. Review status: criteria provided, single submitter. Criteria: Invitae Variant Classification Sherloc (09022015). Collection method: clinical testing. Allele origin: germline.
Comment: This sequence change replaces proline, which is neutral and non-polar, with serine, which is neutral and polar, at codon 953 of the AMER1 protein (p.Pro953Ser). This variant is present in population databases (rs374610712, gnomAD 0.02%). This variant has not been reported in the literature in individuals affected with AMER1-related conditions. ClinVar contains an entry for this variant (Variation ID: 3711685). An algorithm developed to predict the effect of missense changes on protein structure and function (PolyPhen-2) suggests that this variant is likely to be disruptive. In summary, the available evidence is currently insufficient to determine the role of this variant in disease. Therefore, it has been classified as a Variant of Uncertain Significance.

NM_152424.4(AMER1):c.2857C>T (p.Pro953Ser)

Gene: AMER1 (APC membrane recruitment protein 1; minus strand). Cytogenetic location: Xq11.2.
Variant type: single nucleotide variant.
Coding change: c.2857C>T on transcript NM_152424.4 (MANE Select); coding-DNA position 2857, C replaced by T.
Protein change: p.Pro953Ser; replaces proline 953 with serine.
Molecular consequence: missense variant.
Genome position (GRCh38, 1-based): chrX:64,190,430, G>A on the plus strand (C>T on the coding strand, the complement: AMER1 is on the minus strand). VCF-style: chrX-64190430-G-A. GRCh37 (hg19) VCF-style: chrX-63410310-G-A.
Other names: c.2857C>T (NM_152424.3); short protein forms P953S.
Identifiers: ClinVar variation 3711685 (VCV003711685.3).